The following is an entry in ClinVar:

ClinVar aggregate classification (germline): Pathogenic (1 of 4 stars; one submission).

Conditions:
Carnitine palmitoyl transferase 1A deficiency. Also called: Carnitine palmitoyltransferase 1A deficiency; CPT deficiency, hepatic, type IA; Carnitine palmitoyltransferase type I deficiency; CPT I DEFICIENCY; CPT DEFICIENCY, HEPATIC, TYPE I. Identifiers: Orphanet 156, MedGen C1829703, MONDO:0009705, OMIM 255120.

Submission:

Labcorp Genetics (formerly Invitae), Labcorp
Classification: Pathogenic for Carnitine palmitoyl transferase 1A deficiency. Last evaluated: 2022-02-18. Review status: criteria provided, single submitter. Criteria: Invitae Variant Classification Sherloc (09022015). Collection method: clinical testing. Allele origin: germline.
Comment: For these reasons, this variant has been classified as Pathogenic. This variant has not been reported in the literature in individuals affected with CPT1A-related conditions. This variant is a gross deletion of the genomic region encompassing exon(s) 2-5 of the CPT1A gene, which includes the initiator codon. This deletion extends beyond the assayed region for this gene and therefore may encompass additional genes. It is expected to result in an absent or disrupted protein product. Loss-of-function variants in CPT1A are known to be pathogenic (PMID: 16169268).

Literature cited by the submitters: PubMed 16169268.

NC_000011.9:g.(?_68571458)_(68582952_?)del

Gene: CPT1A (carnitine palmitoyltransferase 1A; minus strand). Cytogenetic location: 11q13.3.
Variant type: Deletion.
Identifiers: ClinVar variation 2424294 (VCV002424294.4).